The following is an entry in ClinVar:

NM_000742.4(CHRNA2):c.1222G>C (p.Val408Leu)

Gene: CHRNA2 (cholinergic receptor nicotinic alpha 2 subunit; minus strand). Cytogenetic location: 8p21.2.
Variant type: single nucleotide variant.
Coding change: c.1222G>C on transcript NM_000742.4 (MANE Select); coding-DNA position 1222, G replaced by C.
Protein change: p.Val408Leu; replaces valine 408 with leucine.
Molecular consequence: missense variant.
Genome position (GRCh38, 1-based): chr8:27,463,221, C>G on the plus strand (G>C on the coding strand, the complement: CHRNA2 is on the minus strand). VCF-style: chr8-27463221-C-G. GRCh37 (hg19) VCF-style: chr8-27320738-C-G.
Other names: p.V408L:GTG>CTG; c.1177G>C, p.Val393Leu (NM_001282455.2); c.745G>C, p.Val249Leu (NM_001347705.2, NM_001347706.2); c.628G>C, p.Val210Leu (NM_001347707.2, NM_001347708.2); short protein forms V408L, V249L, V393L, V210L.
Identifiers: ClinVar variation 204948 (VCV000204948.9), dbSNP rs771994243, ClinGen allele CA313419.

ClinVar aggregate classification (germline): Conflicting classifications of pathogenicity. Review status: criteria provided, conflicting classifications (1 of 4 stars). 3 submissions from 3 submitters: Uncertain significance (1); Likely benign (2). Last evaluated 2025-10-01.

Conditions:
Familial sleep-related hypermotor epilepsy. Also called: Autosomal Dominant Sleep-Related Hypermotor (Hyperkinetic) Epilepsy. Identifiers: Orphanet 98784, MedGen C3696898, MONDO:0000030.
Inborn genetic diseases. Identifiers: MedGen C0950123, MeSH D030342.

Allele frequency attached by ClinVar (database versions not stated): gnomAD 0.00005; TOPMed 0.00006.
gnomAD v4.1: 158 of 1,590,286 alleles (0.0099%); highest among the groups gnomAD compares: Non-Finnish European, 0.013%; no homozygotes.

Submissions (3):

Labcorp Genetics (formerly Invitae), Labcorp
Classification: Likely benign. Last evaluated: 2025-10-01. Review status: criteria provided, single submitter. Criteria: Invitae Variant Classification Sherloc (09022015). Collection method: clinical testing. Allele origin: germline.

Ambry Genetics
Classification: Uncertain significance for Inborn genetic diseases. Last evaluated: 2024-10-19. Review status: criteria provided, single submitter. Criteria: Ambry Variant Classification Scheme 2023. Collection method: clinical testing. Allele origin: germline.

GeneDx
Classification: Likely benign. Last evaluated: 2017-06-02. Review status: criteria provided, single submitter. Criteria: GeneDx Variant Classification (06012015). Collection method: clinical testing. Allele origin: germline. Affected: yes.
Comment: This variant is considered likely benign or benign based on one or more of the following criteria: it is a conservative change, it occurs at a poorly conserved position in the protein, it is predicted to be benign by multiple in silico algorithms, and/or has population frequency not consistent with disease.